The following is an entry in ClinVar:

ClinVar aggregate classification (germline): Conflicting classifications of pathogenicity. Review status: criteria provided, conflicting classifications (1 of 4 stars). 2 submissions from 2 submitters: Likely pathogenic (1); Uncertain significance (1). Last evaluated 2025-07-14.

Submissions (2):

Ambry Genetics
Classification: Likely pathogenic. Last evaluated: 2025-07-14. Review status: criteria provided, single submitter. Criteria: Ambry Variant Classification Scheme 2023. Collection method: clinical testing. Allele origin: germline.
Comment: The c.217C>G (p.R73G) alteration is located in exon 3 (coding exon 2) of the H3F3A gene. This alteration results from a C to G substitution at nucleotide position 217, causing the arginine (R) at amino acid position 73 to be replaced by a glycine (G). This variant was not reported in population-based cohorts in the Genome Aggregation Database (gnomAD). This amino acid position is highly conserved in available vertebrate species. This alteration is predicted to be deleterious by in silico analysis. Based on the available evidence, this alteration is classified as likely pathogenic.

GeneDx
Classification: Uncertain significance. Last evaluated: 2025-06-17. Review status: criteria provided, single submitter. Criteria: GeneDx Variant Classification Process June 2021. Collection method: clinical testing. Allele origin: germline. Affected: yes.
Comment: Not observed at significant frequency in large population cohorts (gnomAD); In silico analysis supports that this missense variant has a deleterious effect on protein structure/function; Has not been previously published as pathogenic or benign to our knowledge

Literature cited by the submitters: PubMed 33268356 (cited by Ambry Genetics); PubMed 38678163 (cited by Ambry Genetics).

NM_002107.7(H3-3A):c.217C>G (p.Arg73Gly)

Gene: H3-3A (H3.3 histone A; plus strand). Cytogenetic location: 1q42.12.
Variant type: single nucleotide variant.
Coding change: c.217C>G on transcript NM_002107.7 (MANE Select); coding-DNA position 217, C replaced by G.
Protein change: p.Arg73Gly; replaces arginine 73 with glycine.
Molecular consequence: missense variant.
Genome position (GRCh38, 1-based): chr1:226,065,744, C>G. VCF-style: chr1-226065744-C-G. GRCh37 (hg19) VCF-style: chr1-226253445-C-G.
Other names: c.217C>G, p.Arg73Gly (NM_001379043.1, NM_001379045.1, NM_001379046.1 and 1 more transcripts); short protein forms R73G.
Identifiers: ClinVar variation 4033450 (VCV004033450.3).